The following is an entry in ClinVar:

NM_006579.3(EBP):c.27C>G (p.His9Gln)

Gene: EBP (EBP cholestenol delta-isomerase; plus strand). Cytogenetic location: Xp11.23.
Variant type: single nucleotide variant.
Coding change: c.27C>G on transcript NM_006579.3 (MANE Select); coding-DNA position 27, C replaced by G.
Protein change: p.His9Gln; replaces histidine 9 with glutamine.
Molecular consequence: missense variant.
Genome position (GRCh38, 1-based): chrX:48,523,798, C>G. VCF-style: chrX-48523798-C-G. GRCh37 (hg19) VCF-style: chrX-48382186-C-G.
Other names: short protein forms H9Q.
Identifiers: ClinVar variation 3598326 (VCV003598326.4).
Genomic context (GRCh38, chrX:48,523,798, plus strand): 5'-GCCTATACACACGCAGCCATCAGCCCACAAAGACATGACTACCAACGCGGGCCCCTTGCA[C>G]CCATACTGGCCTCAGCACCTAAGACTGGACAACTTTGTACCTAATGACCGCCCCACCTGG-3'
Protein context (NP_006570.1, residues 1-19): MTTNAGPL[His9Gln]PYWPQHLRLD

ClinVar aggregate classification (germline): Conflicting classifications of pathogenicity. Review status: criteria provided, conflicting classifications (1 of 4 stars). 3 submissions from 3 submitters: Uncertain significance (1); Likely benign (2). Last evaluated 2026-09-01.

Conditions:
Chondrodysplasia punctata 2 X-linked dominant (CDPX2). Also called: Hunermann-Conradi Syndrome; EBP-Related X-Linked Chondrodysplasia Punctata; CONRADI-HUNERMANN-HAPPLE SYNDROME; HAPPLE SYNDROME. Identifiers: Orphanet 35173, MedGen C0282102, MONDO:0020603, OMIM 302960.
MEND syndrome (MEND). Also called: MALE EBP DISORDER WITH NEUROLOGIC DEFECTS. Identifiers: Orphanet 401973, MedGen C4085243, MONDO:0010498, OMIM 300960.

gnomAD v4.1: 46 of 1,203,808 alleles (0.0038%); highest among the groups gnomAD compares: Non-Finnish European, 0.0047%; no homozygotes.

Submissions (3):

CeGaT Center for Human Genetics Tuebingen
Classification: Likely benign. Last evaluated: 2026-09-01. Review status: criteria provided, single submitter. Criteria: CeGaT Center For Human Genetics Tuebingen Variant Classification Criteria Version 2. Collection method: clinical testing. Allele origin: germline. Affected: yes. Observed: 1 variant allele.
Comment: EBP: BS2; ENSG00000286268: BS2

Labcorp Genetics (formerly Invitae), Labcorp
Classification: Likely benign. Last evaluated: 2025-03-03. Review status: criteria provided, single submitter. Criteria: Invitae Variant Classification Sherloc (09022015). Collection method: clinical testing. Allele origin: germline.

Fulgent Genetics
Classification: Uncertain significance for MEND syndrome; Chondrodysplasia punctata 2 X-linked dominant. Last evaluated: 2024-04-19. Review status: criteria provided, single submitter. Criteria: ACMG Guidelines, 2015. Collection method: clinical testing. Allele origin: germline.